The following is an entry in ClinVar:

ClinVar aggregate classification (germline): Uncertain significance (0 of 4 stars; one submission).

Conditions:
KMT2D-related disorder. Also called: KMT2D-Related Disorders.

gnomAD v4.1: 1 of 1,605,098 alleles (0.000062%); highest among the groups gnomAD compares: Non-Finnish European, 0.000085%; no homozygotes.

Submission:

PreventionGenetics, part of Exact Sciences
Classification: Uncertain significance for KMT2D-related condition. Last evaluated: 2024-05-06. Review status: no assertion criteria provided. Collection method: clinical testing. Allele origin: germline.
Comment: The KMT2D c.13802C>T variant is predicted to result in the amino acid substitution p.Pro4601Leu. To our knowledge, this variant has not been reported in the literature or in a large population database, indicating this variant is rare. At this time, the clinical significance of this variant is uncertain due to the absence of conclusive functional and genetic evidence.

NM_003482.4(KMT2D):c.13802C>T (p.Pro4601Leu)

Gene: KMT2D (lysine methyltransferase 2D; minus strand). Cytogenetic location: 12q13.12.
Variant type: single nucleotide variant.
Coding change: c.13802C>T on transcript NM_003482.4 (MANE Select); coding-DNA position 13802, C replaced by T.
Protein change: p.Pro4601Leu; replaces proline 4601 with leucine.
Molecular consequence: missense variant.
Genome position (GRCh38, 1-based): chr12:49,030,638, G>A on the plus strand (C>T on the coding strand, the complement: KMT2D is on the minus strand). VCF-style: chr12-49030638-G-A. GRCh37 (hg19) VCF-style: chr12-49424421-G-A.
Other names: short protein forms P4601L.
Identifiers: ClinVar variation 3347653 (VCV003347653.1).